The following is an entry in ClinVar:

ClinVar aggregate classification (germline): Uncertain significance. Review status: criteria provided, multiple submitters, no conflicts (2 of 4 stars). 2 submissions from 2 submitters: Uncertain significance (2). Last evaluated 2025-11-09.

Conditions:
Epileptic encephalopathy. Identifiers: MedGen C0543888, HP:0200134.

Allele frequency attached by ClinVar (database versions not stated): gnomAD exomes 0.00006 and 0.00007; ESP Exome Variant Server 0.00031; 1000 Genomes Project 0.00040; ExAC 0.00008; gnomAD 0.00023 and 0.00025; TOPMed 0.00029; 1000 Genomes Project 30x 0.00031.

Submissions (2):

Labcorp Genetics (formerly Invitae), Labcorp
Classification: Uncertain significance for Epileptic encephalopathy. Last evaluated: 2025-11-09. Review status: criteria provided, single submitter. Criteria: Invitae Variant Classification Sherloc (09022015). Collection method: clinical testing. Allele origin: germline.
Comment: This sequence change replaces valine, which is neutral and non-polar, with methionine, which is neutral and non-polar, at codon 128 of the FASN protein (p.Val128Met). This variant is present in population databases (rs146811868, gnomAD 0.09%), and has an allele count higher than expected for a pathogenic variant. This variant has not been reported in the literature in individuals affected with FASN-related conditions. ClinVar contains an entry for this variant (Variation ID: 462046). An algorithm developed to predict the effect of missense changes on protein structure and function outputs the following: PolyPhen-2: "Benign". The methionine amino acid residue is found in multiple mammalian species, which suggests that this missense change does not adversely affect protein function. In summary, the available evidence is currently insufficient to determine the role of this variant in disease. Therefore, it has been classified as a Variant of Uncertain Significance.

Ambry Genetics
Classification: Uncertain significance. Last evaluated: 2021-10-20. Review status: criteria provided, single submitter. Criteria: Ambry Variant Classification Scheme 2023. Collection method: clinical testing. Allele origin: germline.

NM_004104.5(FASN):c.382G>A (p.Val128Met)

Gene: FASN (fatty acid synthase; minus strand). Cytogenetic location: 17q25.3.
Variant type: single nucleotide variant.
Coding change: c.382G>A on transcript NM_004104.5 (MANE Select); coding-DNA position 382, G replaced by A.
Protein change: p.Val128Met; replaces valine 128 with methionine.
Molecular consequence: missense variant.
Genome position (GRCh38, 1-based): chr17:82,093,670, C>T on the plus strand (G>A on the coding strand, the complement: FASN is on the minus strand). VCF-style: chr17-82093670-C-T. GRCh37 (hg19) VCF-style: chr17-80051546-C-T.
Other names: short protein forms V128M.
Identifiers: ClinVar variation 462046 (VCV000462046.10), dbSNP rs146811868, ClinGen allele CA8853543.